The following is an entry in ClinVar:

ClinVar aggregate classification (germline): Uncertain significance. Review status: criteria provided, multiple submitters, no conflicts (2 of 4 stars). 2 submissions from 2 submitters: Uncertain significance (2). Last evaluated 2025-10-07.

Conditions:
Hereditary cancer-predisposing syndrome. Also called: Hereditary Cancer Syndrome; Tumor predisposition; Neoplastic Syndromes, Hereditary; Hereditary neoplastic syndrome. Identifiers: Orphanet 140162, MedGen C0027672, MeSH D009386, MONDO:0015356.
Hereditary diffuse gastric adenocarcinoma (HDGC). Also called: DIFFUSE GASTRIC AND LOBULAR BREAST CANCER SYNDROME. Identifiers: Orphanet 26106, MedGen C1708349, MONDO:0007648, OMIM 137215.

Allele frequency attached by ClinVar (database versions not stated): gnomAD exomes below 0.00001.
gnomAD v4.1: 4 of 1,613,850 alleles (0.00025%); highest among the groups gnomAD compares: Non-Finnish European, 0.00034%; no homozygotes.

Submissions (2):

Ambry Genetics
Classification: Uncertain significance for Hereditary cancer-predisposing syndrome. Last evaluated: 2025-10-07. Review status: criteria provided, single submitter. Criteria: Ambry Variant Classification Scheme 2023. Collection method: clinical testing. Allele origin: germline.
Comment: The p.V252A variant (also known as c.755T>C), located in coding exon 6 of the CDH1 gene, results from a T to C substitution at nucleotide position 755. The valine at codon 252 is replaced by alanine, an amino acid with similar properties. This amino acid position is conserved. In addition, this alteration is predicted to be deleterious by in silico analysis. Based on the available evidence, the clinical significance of this variant remains unclear.

Labcorp Genetics (formerly Invitae), Labcorp
Classification: Uncertain significance for Hereditary diffuse gastric adenocarcinoma. Last evaluated: 2024-03-25. Review status: criteria provided, single submitter. Criteria: Invitae Variant Classification Sherloc (09022015). Collection method: clinical testing. Allele origin: germline.
Comment: This sequence change replaces valine, which is neutral and non-polar, with alanine, which is neutral and non-polar, at codon 252 of the CDH1 protein (p.Val252Ala). This variant is not present in population databases (gnomAD no frequency). This variant has not been reported in the literature in individuals affected with CDH1-related conditions. An algorithm developed to predict the effect of missense changes on protein structure and function (PolyPhen-2) suggests that this variant is likely to be disruptive. In summary, the available evidence is currently insufficient to determine the role of this variant in disease. Therefore, it has been classified as a Variant of Uncertain Significance.

NM_004360.5(CDH1):c.755T>C (p.Val252Ala)

Gene: CDH1 (cadherin 1; plus strand). Cytogenetic location: 16q22.1.
Variant type: single nucleotide variant.
Coding change: c.755T>C on transcript NM_004360.5 (MANE Select); coding-DNA position 755, T replaced by C.
Protein change: p.Val252Ala; replaces valine 252 with alanine.
Molecular consequence: missense variant. On other transcripts: 5 prime UTR variant (2).
Genome position (GRCh38, 1-based): chr16:68,810,264, T>C. VCF-style: chr16-68810264-T-C. GRCh37 (hg19) VCF-style: chr16-68844167-T-C.
Other names: c.755T>C, p.Val252Ala (NM_001317184.2); c.-861T>C (NM_001317185.2); c.-1065T>C (NM_001317186.2); short protein forms V252A.
Identifiers: ClinVar variation 3224187 (VCV003224187.4), dbSNP rs1960782710, ClinGen allele CA396458599.